The following is an entry in ClinVar:

NM_001375524.1(TRRAP):c.8227A>G (p.Ser2743Gly)

Gene: TRRAP (transformation/transcription domain associated protein; plus strand). Cytogenetic location: 7q22.1.
Variant type: single nucleotide variant.
Coding change: c.8227A>G on transcript NM_001375524.1 (MANE Select); coding-DNA position 8227, A replaced by G.
Protein change: p.Ser2743Gly; replaces serine 2743 with glycine.
Molecular consequence: missense variant.
Genome position (GRCh38, 1-based): chr7:98,976,750, A>G. VCF-style: chr7-98976750-A-G. GRCh37 (hg19) VCF-style: chr7-98574373-A-G.
Other names: c.8206A>G, p.Ser2736Gly (NM_001244580.2); c.8152A>G, p.Ser2718Gly (NM_003496.4); short protein forms S2718G, S2736G, S2743G.
Identifiers: ClinVar variation 3242182 (VCV003242182.1), dbSNP rs2484948500.

ClinVar aggregate classification (germline): Uncertain significance (1 of 4 stars; one submission).

Conditions:
Developmental delay with or without dysmorphic facies and autism. Identifiers: MedGen C5193106, MONDO:0032760, OMIM 618454.

Submission:

Neuberg Centre For Genomic Medicine, NCGM
Classification: Uncertain significance for Developmental delay with or without dysmorphic facies and autism. Review status: criteria provided, single submitter. Criteria: ACMG Guidelines, 2015. Collection method: clinical testing. Allele origin: germline. Inheritance: Autosomal dominant inheritance. Affected: yes.
Comment: The observed missense c.8227A>G(p.Ser2743Gly) variant in gene has not been reported previously as a pathogenic variant nor as a benign variant, to our knowledge. The p.Ser2743Gly variant is absent in gnomAD Exomes. This variant has not been submitted to the ClinVar database. The amino acid change p.Ser2743Gly in TRRAP is predicted as conserved by GERP++ and PhyloP across 100 vertebrates. The amino acid Ser at position 2743 is changed to a Gly changing protein sequence and it might alter its composition and physico-chemical properties. For these reasons, this variant has been classified as Variant of Uncertain Significance (VUS).